The following is an entry in ClinVar:

ClinVar aggregate classification (germline): Uncertain significance (1 of 4 stars; one submission).

Conditions:
Hereditary spastic paraplegia 63. Also called: Spastic paraplegia 63, autosomal recessive. Identifiers: Orphanet 401805, MedGen C3810295, MONDO:0014305, OMIM 615686.
Pontocerebellar hypoplasia type 9. Identifiers: Orphanet 369920, MedGen C4014354, MONDO:0014351, OMIM 615809.

Submission:

Labcorp Genetics (formerly Invitae), Labcorp
Classification: Uncertain significance for Pontocerebellar hypoplasia type 9; Hereditary spastic paraplegia 63. Last evaluated: 2024-11-18. Review status: criteria provided, single submitter. Criteria: Invitae Variant Classification Sherloc (09022015). Collection method: clinical testing. Allele origin: germline.
Comment: This sequence change replaces glycine, which is neutral and non-polar, with cysteine, which is neutral and slightly polar, at codon 806 of the AMPD2 protein (p.Gly806Cys). This variant is not present in population databases (gnomAD no frequency). This variant has not been reported in the literature in individuals affected with AMPD2-related conditions. ClinVar contains an entry for this variant (Variation ID: 2166531). An algorithm developed to predict the effect of missense changes on protein structure and function (PolyPhen-2) suggests that this variant is likely to be disruptive. In summary, the available evidence is currently insufficient to determine the role of this variant in disease. Therefore, it has been classified as a Variant of Uncertain Significance.

NM_001368809.2(AMPD2):c.2254G>T (p.Gly752Cys)

Gene: AMPD2 (adenosine monophosphate deaminase 2; plus strand). Cytogenetic location: 1p13.3.
Variant type: single nucleotide variant.
Coding change: c.2254G>T on transcript NM_001368809.2 (MANE Select); coding-DNA position 2254, G replaced by T.
Protein change: p.Gly752Cys; replaces glycine 752 with cysteine.
Molecular consequence: missense variant.
Genome position (GRCh38, 1-based): chr1:109,630,779, G>T. VCF-style: chr1-109630779-G-T. GRCh37 (hg19) VCF-style: chr1-110173401-G-T.
Other names: c.2416G>T, p.Gly806Cys (NM_001257360.2); c.2062G>T, p.Gly688Cys (NM_001257361.2); c.2191G>T, p.Gly731Cys (NM_001308170.1); c.2254G>T, p.Gly752Cys (NM_004037.9); c.2173G>T, p.Gly725Cys (NM_139156.4); short protein forms G688C, G725C, G731C, G806C, G752C.
Identifiers: ClinVar variation 2166531 (VCV002166531.4), dbSNP rs1167053242, ClinGen allele CA341563124.
Genomic context (GRCh38, chr1:109,630,779, plus strand): 5'-GTGTGGAAGCTCAGCTCCTGCGATATGTGTGAGCTGGCCCGCAACAGCGTGCTCATGAGC[G>T]GCTTCTCGCACAAGGTACTACAGCGCCTGCCTGGACCTTGGCATGGCATCACTCCTCCCC-3'
Protein context (NP_001355738.1, residues 742-762): ELARNSVLMS[Gly752Cys]FSHKVKSHWL